The following is an entry in ClinVar:

ClinVar aggregate classification (germline): Likely pathogenic. Review status: criteria provided, single submitter (1 of 4 stars). 2 submissions from 2 submitters: Likely pathogenic (1). 1 of the submissions does not count toward it. Last evaluated 2025-12-12.

Conditions:
Hypotonia, ataxia, and delayed development syndrome (HADDS). Also called: EBF3 Neurodevelopmental Disorder. Identifiers: Orphanet 658843, MedGen C4310618, MONDO:0015021, OMIM 617330.
Oromandibular-limb hypogenesis spectrum (MBS). Also called: MOEBIUS SEQUENCE; Absence or underdevelopment of the 6th and 7th cranial nerves; Congenital facial diplegia syndrome; Congenital oculofacial paralysis; Möbius Syndrome. Identifiers: Orphanet 570, MedGen C0221060, MONDO:0008006, OMIM 157900.

Submissions (2):

Victorian Clinical Genetics Services, Murdoch Childrens Research Institute
Classification: Likely pathogenic for Hypotonia, ataxia, and delayed development syndrome. Last evaluated: 2025-12-12. Review status: criteria provided, single submitter. Criteria: ACMG Guidelines, 2015. Collection method: clinical testing. Allele origin: germline. Affected: yes.
Comment: This variant is classified as Likely pathogenic. Evidence in support of pathogenic classification: Variant is absent from gnomAD (v2, v3 and v4); Another missense variant comparable to the one identified in this case has moderate previous evidence for pathogenicity. p.(Lys193Asn) has been classified as pathogenic by a clinical laboratory in ClinVar, and reported as de novo in the literature in an individual with a neurodevelopmental syndrome (DECIPHER, PMID: 28017370); Variant is located in a hotspot region or cluster of PATHOGENIC variants in the COE1 DNA-binding domain (DECIPHER); Additional information: Variant is predicted to result in a missense amino acid change from Lys to Glu; This variant is heterozygous; This gene is associated with autosomal dominant disease; Alternative amino acid change(s) at the same position are present in gnomAD (highest allele count: v4: 1 heterozygote(s), 0 homozygote(s)); This variant has no previous evidence of pathogenicity; No published evidence of segregation with disease has been identified for this variant; No published functional evidence has been identified for this variant; Missense variant with inconclusive in silico prediction and/or uninformative conservation; Loss of function and dominant negative are known mechanisms of disease in this gene and are associated with hypotonia, ataxia, and delayed development syndrome (MIM#617330) (PMID: 33956416).

Clinics for Rare Diseases Referral (Hong Kong), The University of Hong Kong
Classification: Likely pathogenic for Oromandibular-limb hypogenesis spectrum. Review status: no assertion criteria provided. Collection method: research. Allele origin: de novo. Inheritance: Autosomal dominant inheritance. Affected: yes. Not counted in ClinVar's aggregate classification.

Literature cited by the submitters: PubMed 33956416 (cited by Victorian Clinical Genetics Services, Murdoch Childrens Research Institute); PubMed 28017370 (cited by Victorian Clinical Genetics Services, Murdoch Childrens Research Institute).

NM_001375380.1(EBF3):c.577A>G (p.Lys193Glu)

Gene: EBF3 (EBF transcription factor 3; minus strand). Cytogenetic location: 10q26.3.
Variant type: single nucleotide variant.
Coding change: c.577A>G on transcript NM_001375380.1 (MANE Select); coding-DNA position 577, A replaced by G.
Protein change: p.Lys193Glu; replaces lysine 193 with glutamic acid.
Molecular consequence: missense variant.
Genome position (GRCh38, 1-based): chr10:129,877,827, T>C on the plus strand (A>G on the coding strand, the complement: EBF3 is on the minus strand). VCF-style: chr10-129877827-T-C. GRCh37 (hg19) VCF-style: chr10-131676091-T-C.
Other names: c.577A>G, p.Lys193Glu (NM_001005463.3, NM_001375379.1, NM_001375389.1 and 3 more transcripts); short protein forms K193E.
Identifiers: ClinVar variation 267357 (VCV000267357.3), dbSNP rs886040976, ClinGen allele CA10602478.